The following is an entry in ClinVar:

NM_017780.4(CHD7):c.6322G>T (p.Gly2108Trp)

Gene: CHD7 (chromodomain helicase DNA binding protein 7; plus strand). Cytogenetic location: 8q12.2.
Variant type: single nucleotide variant.
Coding change: c.6322G>T on transcript NM_017780.4 (MANE Select); coding-DNA position 6322, G replaced by T.
Protein change: p.Gly2108Trp; replaces glycine 2108 with tryptophan.
Molecular consequence: missense variant. On other transcripts: intron variant (1).
Genome position (GRCh38, 1-based): chr8:60,853,047, G>T. VCF-style: chr8-60853047-G-T. GRCh37 (hg19) VCF-style: chr8-61765606-G-T.
Other names: c.1717-9182G>T (NM_001316690.1); short protein forms G2108W.
Identifiers: ClinVar variation 3345880 (VCV003345880.1).
Genomic context (GRCh38, chr8:60,853,047, plus strand): 5'-CCAGAGTGGTGGGAGTGTGGACGGCATGACCGAGACTTGCTGGTTGGTGCTGCTAAACAC[G>T]GGGTCAGTCGGACGGATTATCACATCCTCAATGACCCTGAGTTATCCTTCTTGGATGCAC-3'
Protein context (NP_060250.2, residues 2098-2118): RDLLVGAAKH[Gly2108Trp]VSRTDYHILN

ClinVar aggregate classification (germline): Pathogenic (0 of 4 stars; one submission).

Conditions:
CHD7-related disorder. Also called: CHD7-related condition.

Submission:

PreventionGenetics, part of Exact Sciences
Classification: Pathogenic for CHD7-related condition. Last evaluated: 2024-08-28. Review status: no assertion criteria provided. Collection method: clinical testing. Allele origin: germline.
Comment: The CHD7 c.6322G>T variant is predicted to result in the amino acid substitution p.Gly2108Trp. This variant has been reported in individuals diagnosed with CHARGE syndrome of varying severity (Mercimek-Mahmutoglu et al. 2015. PubMed ID: 25818041; Butcher et al. 2017. PubMed ID: 28475860; Aref-Eshghi et al. 2018. PubMed ID: 29304373; Levy et al. 2022. PubMed ID: 35904121), and confirmed de novo in multiple cases (Mercimek-Mahmutoglu et al. 2015. PubMed ID: 25818041; Butcher et al. 2017. PubMed ID: 28475860). A different variant affecting the same nucleotide (c.6322G>A, p.Gly2108Arg) has been classified as pathogenic by one lab in ClinVar. The c.6322G>T variant has not been reported in a large population database, indicating this variant is rare. This variant is interpreted as pathogenic.